The following is an entry in ClinVar:

ClinVar aggregate classification (germline): Benign/Likely benign. Review status: criteria provided, multiple submitters, no conflicts (2 of 4 stars). 5 submissions from 5 submitters: Benign (1); Likely benign (4). Last evaluated 2026-01-19.

Conditions:
Cardiovascular phenotype. Identifiers: MedGen CN230736.
Hypertrophic cardiomyopathy. Also called: HYPERTROPHIC MYOCARDIOPATHY. Identifiers: Orphanet 217569, MedGen C0007194, MeSH D002312, MONDO:0005045, HP:0001639.

Allele frequency attached by ClinVar (database versions not stated): gnomAD exomes 0.00002 and 0.00006; ExAC 0.00008; ESP Exome Variant Server 0.00023; TOPMed 0.00023; gnomAD 0.00026.
gnomAD v4.1: 71 of 1,613,150 alleles (0.0044%); highest among the groups gnomAD compares: African/African-American, 0.087%; 1 homozygote.

Submissions (5):

Labcorp Genetics (formerly Invitae), Labcorp
Classification: Likely benign for Hypertrophic cardiomyopathy. Last evaluated: 2026-01-19. Review status: criteria provided, single submitter. Criteria: Invitae Variant Classification Sherloc (09022015). Collection method: clinical testing. Allele origin: germline.

Blueprint Genetics
Classification: Likely benign. Last evaluated: 2024-10-22. Review status: criteria provided, single submitter. Criteria: ACMG Guidelines, 2015. Collection method: clinical testing. Allele origin: germline.

Women's Health and Genetics/Laboratory Corporation of America, LabCorp
Classification: Benign. Last evaluated: 2023-08-19. Review status: criteria provided, single submitter. Criteria: LabCorp Variant Classification Summary - May 2015. Collection method: clinical testing. Allele origin: germline.

GeneDx
Classification: Likely benign. Last evaluated: 2018-05-10. Review status: criteria provided, single submitter. Criteria: GeneDx Variant Classification (06012015). Collection method: clinical testing. Allele origin: germline. Affected: yes.
Comment: This variant is considered likely benign or benign based on one or more of the following criteria: it is a conservative change, it occurs at a poorly conserved position in the protein, it is predicted to be benign by multiple in silico algorithms, and/or has population frequency not consistent with disease.

Ambry Genetics
Classification: Likely benign for Cardiovascular phenotype. Last evaluated: 2016-08-11. Review status: criteria provided, single submitter. Criteria: Ambry Variant Classification Scheme 2023. Collection method: clinical testing. Allele origin: germline.

NM_020433.5(JPH2):c.1233G>A (p.Glu411=)

Gene: JPH2 (junctophilin 2; minus strand). Cytogenetic location: 20q13.12.
Variant type: single nucleotide variant.
Coding change: c.1233G>A on transcript NM_020433.5 (MANE Select); coding-DNA position 1233, G replaced by A.
Protein change: p.Glu411=; no amino-acid change (glutamic acid 411 retained).
Molecular consequence: synonymous variant.
Genome position (GRCh38, 1-based): chr20:44,118,560, C>T on the plus strand (G>A on the coding strand, the complement: JPH2 is on the minus strand). VCF-style: chr20-44118560-C-T. GRCh37 (hg19) VCF-style: chr20-42747200-C-T.
Identifiers: ClinVar variation 520292 (VCV000520292.18), dbSNP rs143061111, ClinGen allele CA9868695.